The following is an entry in ClinVar:

ClinVar aggregate classification (germline): Benign (1 of 4 stars; one submission).

Allele frequency attached by ClinVar (database versions not stated): 1000 Genomes Project 0.40954; TOPMed 0.43494; gnomAD 0.44107; 1000 Genomes Project 30x 0.41552.
gnomAD v4.1: 65,549 of 152,100 alleles (43%); highest among the groups gnomAD compares: African/African-American, 64%; 15,442 homozygotes.

Submission:

GeneDx
Classification: Benign. Last evaluated: 2018-06-19. Review status: criteria provided, single submitter. Criteria: GeneDx Variant Classification (06012015). Collection method: clinical testing. Allele origin: germline. Affected: yes.
Comment: This variant is considered likely benign or benign based on one or more of the following criteria: it is a conservative change, it occurs at a poorly conserved position in the protein, it is predicted to be benign by multiple in silico algorithms, and/or has population frequency not consistent with disease.

NM_003476.5(CSRP3):c.112+341G>C

Gene: CSRP3 (cysteine and glycine rich protein 3; minus strand). Cytogenetic location: 11p15.1.
Variant type: single nucleotide variant.
Coding change: c.112+341G>C on transcript NM_003476.5 (MANE Select); 341 bases into the intron after coding-DNA position 112, G replaced by C.
Molecular consequence: intron variant.
Genome position (GRCh38, 1-based): chr11:19,191,996, C>G on the plus strand (G>C on the coding strand, the complement: CSRP3 is on the minus strand). VCF-style: chr11-19191996-C-G. GRCh37 (hg19) VCF-style: chr11-19213543-C-G.
Other names: c.112+341G>C (NM_001369404.1).
Identifiers: ClinVar variation 683439 (VCV000683439.1), dbSNP rs7933460, ClinGen allele CA13375697.